The following is an entry in ClinVar:

ClinVar aggregate classification (germline): Uncertain significance. Review status: criteria provided, multiple submitters, no conflicts (2 of 4 stars). 4 submissions from 4 submitters: Uncertain significance (4). Last evaluated 2024-12-20.

Conditions:
Cardiovascular phenotype. Identifiers: MedGen CN230736.
Ehlers-Danlos syndrome due to tenascin-X deficiency (EDSCLL1). Also called: EDS DUE TO TNX DEFICIENCY; TNX DEFICIENCY; EHLERS-DANLOS SYNDROME, CLASSIC-LIKE; Ehlers-Danlos syndrome, classic-like, 1; TNXB-Related Classical-Like Ehlers-Danlos Syndrome. Identifiers: Orphanet 230839, MedGen C1848029, MONDO:0011670, OMIM 606408.

Allele frequency attached by ClinVar (database versions not stated): ExAC 0.00006; gnomAD 0.00006; gnomAD exomes 0.00006; TOPMed 0.00012.
gnomAD v4.1: 101 of 1,613,500 alleles (0.0063%); highest among the groups gnomAD compares: Middle Eastern, 0.033%; no homozygotes.

Submissions (4):

Ambry Genetics
Classification: Uncertain significance for Cardiovascular phenotype. Last evaluated: 2024-12-20. Review status: criteria provided, single submitter. Criteria: Ambry Variant Classification Scheme 2023. Collection method: clinical testing. Allele origin: germline.
Comment: The p.V2850M variant (also known as c.8548G>A), located in coding exon 24 of the TNXB gene, results from a G to A substitution at nucleotide position 8548. The valine at codon 2850 is replaced by methionine, an amino acid with highly similar properties. This amino acid position is conserved. In addition, this alteration is predicted to be tolerated by in silico analysis. Since supporting evidence is limited at this time, the clinical significance of this alteration remains unclear.

Blueprint Genetics
Classification: Uncertain significance. Last evaluated: 2024-08-12. Review status: criteria provided, single submitter. Criteria: ACMG Guidelines, 2015. Collection method: clinical testing. Allele origin: germline.

Neuberg Centre For Genomic Medicine, NCGM
Classification: Uncertain significance for Ehlers-Danlos syndrome due to tenascin-X deficiency. Last evaluated: 2024-02-01. Review status: criteria provided, single submitter. Criteria: ACMG Guidelines, 2015. Collection method: clinical testing. Allele origin: germline. Inheritance: Autosomal recessive inheritance.
Comment: The observed variant in TNXB has not been reported previously as a pathogenic variant nor as a benign variant, to our knowledge. In the absence of another reportable variant, the molecular diagnosis is not confirmed.

GeneDx
Classification: Uncertain significance. Last evaluated: 2023-07-11. Review status: criteria provided, single submitter. Criteria: GeneDx Variant Classification Process June 2021. Collection method: clinical testing. Allele origin: germline. Affected: yes.
Comment: Has not been previously published as pathogenic or benign to our knowledge; In silico analysis supports that this missense variant does not alter protein structure/function

NM_001365276.2(TNXB):c.8554G>A (p.Val2852Met)

Gene: TNXB (tenascin XB; minus strand). Cytogenetic location: 6p21.33.
Variant type: single nucleotide variant.
Coding change: c.8554G>A on transcript NM_001365276.2 (MANE Select); coding-DNA position 8554, G replaced by A.
Protein change: p.Val2852Met; replaces valine 2852 with methionine.
Molecular consequence: missense variant.
Genome position (GRCh38, 1-based): chr6:32,053,625, C>T on the plus strand (G>A on the coding strand, the complement: TNXB is on the minus strand). VCF-style: chr6-32053625-C-T. GRCh37 (hg19) VCF-style: chr6-32021402-C-T.
Other names: c.8548G>A, p.Val2850Met (NM_019105.8); short protein forms V2850M, V2852M.
Identifiers: ClinVar variation 1763802 (VCV001763802.7), dbSNP rs772317696, ClinGen allele CA3733800.